The following is an entry in ClinVar:

ClinVar aggregate classification (germline): Pathogenic (1 of 4 stars; one submission).

Conditions:
Developmental and epileptic encephalopathy, 1 (DEE1). Also called: INFANTILE SPASM SYNDROME, X-LINKED 1; OHTAHARA SYNDROME, X-LINKED; Epileptic encephalopathy, early infantile, 1; X-linked infantile spasms; West's syndrome; Tonic spasms with clustering, arrest of psychomotor development and hypsarrhythmia on EEG. Identifiers: MedGen C3463992, MONDO:0010632, OMIM 308350. Disease mechanism: loss of function.
Intellectual disability, X-linked, with or without seizures, ARX-related. Also called: Mental retardation, X-linked 52; MENTAL RETARDATION, X-LINKED 29; MENTAL RETARDATION, X-LINKED 32; MENTAL RETARDATION, X-LINKED 33; MENTAL RETARDATION, X-LINKED 38; MENTAL RETARDATION, X-LINKED 43. Identifiers: Orphanet 777, MedGen C0796244, MONDO:0010317, OMIM 300419.

Submission:

Labcorp Genetics (formerly Invitae), Labcorp
Classification: Pathogenic for Developmental and epileptic encephalopathy, 1; Intellectual disability, X-linked, with or without seizures, ARX-related. Last evaluated: 2021-03-25. Review status: criteria provided, single submitter. Criteria: Invitae Variant Classification Sherloc (09022015). Collection method: clinical testing. Allele origin: germline.
Comment: For these reasons, this variant has been classified as Pathogenic. This variant has not been reported in the literature in individuals with ARX-related conditions. The frequency data for this variant in the population databases is considered unreliable, as metrics indicate insufficient coverage at this position in the ExAC database. This sequence change creates a premature translational stop signal (p.Pro215Leufs*109) in the ARX gene. It is expected to result in an absent or disrupted protein product. Loss-of-function variants in ARX are known to be pathogenic (PMID: 19439424, 19738637).

Literature cited by the submitters: PubMed 19439424; PubMed 19738637.

NM_139058.3(ARX):c.642_645del (p.Pro215fs)

Gene: ARX (aristaless related homeobox; minus strand). Cytogenetic location: Xp21.3.
Variant type: Deletion.
Coding change: c.642_645del on transcript NM_139058.3 (MANE Select); coding-DNA positions 642 to 645, 4 bases deleted (CCCG; older notation c.642_645delCCCG).
Protein change: p.Pro215fs; shifts the reading frame from proline 215.
Molecular consequence: frameshift variant.
Genome position (GRCh38, 1-based): chrX:25,013,350-25,013,353, CGGG deleted on the plus strand (CCCG on the coding strand, the reverse complement: ARX is on the minus strand). VCF-style (leftmost placement, unchanged base first): chrX-25013349-CCGGG-C. GRCh37 (hg19) VCF-style: chrX-25031466-CCGGG-C.
Other names: short protein forms P215fs.
Identifiers: ClinVar variation 1410535 (VCV001410535.6), dbSNP rs2147323943, ClinGen allele CA2573158499.
Genomic context (GRCh38, chrX:25,013,349, plus strand): 5'-CTTCTTCGTCCTCCAGCAGCTCCTCCTCGTCGTCCTCGGTGCCGGTGCCACCACCCGCAG[CCGGG>C]GCGCTGCCCGGGCCGCCGGCCACGCCGAGGCGCTCCTCCGGGTGCGTGACGCCCCCCGGG-3'